The following is an entry in ClinVar:

ClinVar aggregate classification (germline): Uncertain significance (1 of 4 stars; one submission).

Submission:

GeneDx
Classification: Uncertain significance. Last evaluated: 2025-06-17. Review status: criteria provided, single submitter. Criteria: GeneDx Variant Classification Process June 2021. Collection method: clinical testing. Allele origin: germline. Affected: yes.
Comment: Not observed at significant frequency in large population cohorts (gnomAD); In silico analysis suggests that this missense variant does not alter protein structure/function; Has not been previously published as pathogenic or benign to our knowledge

NM_003718.5(CDK13):c.1640A>T (p.Lys547Met)

Gene: CDK13 (cyclin dependent kinase 13; plus strand). Cytogenetic location: 7p14.1.
Variant type: single nucleotide variant.
Coding change: c.1640A>T on transcript NM_003718.5 (MANE Select); coding-DNA position 1640, A replaced by T.
Protein change: p.Lys547Met; replaces lysine 547 with methionine.
Molecular consequence: missense variant.
Genome position (GRCh38, 1-based): chr7:39,988,027, A>T. VCF-style: chr7-39988027-A-T. GRCh37 (hg19) VCF-style: chr7-40027626-A-T.
Other names: c.1640A>T, p.Lys547Met (NM_031267.4); short protein forms K547M.
Identifiers: ClinVar variation 4538877 (VCV004538877.1).